The following is an entry in ClinVar:

NM_001999.4(FBN2):c.1991C>T (p.Thr664Ile)

Gene: FBN2 (fibrillin 2; minus strand). Cytogenetic location: 5q23.3.
Variant type: single nucleotide variant.
Coding change: c.1991C>T on transcript NM_001999.4 (MANE Select); coding-DNA position 1991, C replaced by T.
Protein change: p.Thr664Ile; replaces threonine 664 with isoleucine.
Molecular consequence: missense variant.
Genome position (GRCh38, 1-based): chr5:128,374,732, G>A on the plus strand (C>T on the coding strand, the complement: FBN2 is on the minus strand). VCF-style: chr5-128374732-G-A. GRCh37 (hg19) VCF-style: chr5-127710425-G-A.
Other names: c.1991C>T (NM_001999.3); short protein forms T664I.
Identifiers: ClinVar variation 1468501 (VCV001468501.10), dbSNP rs2126954772, ClinGen allele CA360740548.
Genomic context (GRCh38, chr5:128,374,732, plus strand): 5'-CAGTCACAGCGGAAGGACCCTTCACTGTTGATGCAGTGCCCATTCATGCAGATTCCTGGG[G>A]TCTGGCATTCATCAACATCTGTGCAGTGGGTGACAGAAGCCAAGCAGTTACTGGGTAAAT-3'
Protein context (NP_001990.2, residues 654-674): RYCTDVDECQ[Thr664Ile]PGICMNGHCI

ClinVar aggregate classification (germline): Uncertain significance. Review status: criteria provided, multiple submitters, no conflicts (2 of 4 stars). 3 submissions from 3 submitters: Uncertain significance (3). Last evaluated 2025-04-29.

Conditions:
Congenital contractural arachnodactyly (CCA). Also called: Beals-Hecht syndrome; Arthrogryposis, distal, type 9; BEALS SYNDROME. Identifiers: Orphanet 115, MedGen C0220668, MONDO:0007363, OMIM 121050.
FBN2-related disorder. Also called: FBN2-related condition.

Allele frequency attached by ClinVar (database versions not stated): gnomAD exomes below 0.00001.
gnomAD v4.1: 2 of 1,613,898 alleles (0.00012%); highest among the groups gnomAD compares: Non-Finnish European, 0.00017%; no homozygotes.

Submissions (3):

GeneDx
Classification: Uncertain significance. Last evaluated: 2025-04-29. Review status: criteria provided, single submitter. Criteria: GeneDx Variant Classification Process June 2021. Collection method: clinical testing. Allele origin: germline. Affected: yes.
Comment: Has not been previously published as pathogenic or benign to our knowledge; Not observed at significant frequency in large population cohorts (gnomAD); In silico analysis supports that this missense variant has a deleterious effect on protein structure/function; This variant is associated with the following publications: (PMID: 19006240, 18767143)

Labcorp Genetics (formerly Invitae), Labcorp
Classification: Uncertain significance for Congenital contractural arachnodactyly. Last evaluated: 2025-02-18. Review status: criteria provided, single submitter. Criteria: Invitae Variant Classification Sherloc (09022015). Collection method: clinical testing. Allele origin: germline.
Comment: This sequence change replaces threonine, which is neutral and polar, with isoleucine, which is neutral and non-polar, at codon 664 of the FBN2 protein (p.Thr664Ile). This variant is not present in population databases (gnomAD no frequency). This variant has not been reported in the literature in individuals affected with FBN2-related conditions. ClinVar contains an entry for this variant (Variation ID: 1468501). Invitae Evidence Modeling of protein sequence and biophysical properties (such as structural, functional, and spatial information, amino acid conservation, physicochemical variation, residue mobility, and thermodynamic stability) indicates that this missense variant is not expected to disrupt FBN2 protein function with a negative predictive value of 80%. In summary, the available evidence is currently insufficient to determine the role of this variant in disease. Therefore, it has been classified as a Variant of Uncertain Significance.

PreventionGenetics, part of Exact Sciences
Classification: Uncertain significance for FBN2-related condition. Last evaluated: 2023-02-09. Review status: criteria provided, single submitter. Criteria: ACMG Guidelines, 2015. Collection method: clinical testing. Allele origin: germline.
Comment: The FBN2 c.1991C>T variant is predicted to result in the amino acid substitution p.Thr664Ile. To our knowledge, this variant has not been reported in the literature or in a large population database, indicating this variant is rare. An alternate nucleotide change affecting the same amino acid (c.1990A>T, p.Thr664Ser) has been previously observed in a cohort of patients with suspected heritable thoracic aortic disorders (reported as a variant of uncertain significance in Table S1, Overwater et al. 2018. PubMed ID: 29907982). At this time, the clinical significance of this variant is uncertain due to the absence of conclusive functional and genetic evidence.